The following is an entry in ClinVar:

ClinVar aggregate classification (germline): Likely pathogenic (1 of 4 stars; one submission).

Conditions:
Aicardi-Goutieres syndrome 2. Identifiers: Orphanet 51, MedGen C3489724, MONDO:0012429, OMIM 610181.

Allele frequency attached by ClinVar (database versions not stated): gnomAD exomes below 0.00001; ExAC 0.00001; gnomAD 0.00001.
gnomAD v4.1: 5 of 1,608,984 alleles (0.00031%); highest among the groups gnomAD compares: African/African-American, 0.004%; no homozygotes.

Submissions (2):

Labcorp Genetics (formerly Invitae), Labcorp
Classification: Likely pathogenic for Aicardi-Goutieres syndrome 2. Last evaluated: 2026-01-11. Review status: criteria provided, single submitter. Criteria: Invitae Variant Classification Sherloc (09022015). Collection method: clinical testing. Allele origin: germline.
Comment: This sequence change affects an acceptor splice site in intron 7 of the RNASEH2B gene. It is expected to disrupt RNA splicing. Variants that disrupt the donor or acceptor splice site typically lead to a loss of protein function (PMID: 16199547), and loss-of-function variants in RNASEH2B are known to be pathogenic (PMID: 17846997). This variant is present in population databases (rs751915137, gnomAD 0.01%). This variant has not been reported in the literature in individuals affected with RNASEH2B-related conditions. ClinVar contains an entry for this variant (Variation ID: 2750103). Algorithms developed to predict the effect of sequence changes on RNA splicing suggest that this variant may disrupt the consensus splice site. In summary, the currently available evidence indicates that the variant is pathogenic, but additional data are needed to prove that conclusively. Therefore, this variant has been classified as Likely Pathogenic.

Dr. Peter K. Rogan Lab, Western University
No classification provided (evidence only). Condition: Clear cell carcinoma of kidney. Review status: no classification provided. Collection method: in vitro. Allele origin: not applicable. Functional consequence: skipped exon, retained intron. Not counted in ClinVar's aggregate classification.

Literature cited by the submitters: PubMed 16199547 (cited by Labcorp Genetics (formerly Invitae), Labcorp); PubMed 17846997 (cited by Labcorp Genetics (formerly Invitae), Labcorp).

NM_024570.4(RNASEH2B):c.617-2A>G

Gene: RNASEH2B (ribonuclease H2 subunit B; plus strand). Cytogenetic location: 13q14.3.
Variant type: single nucleotide variant.
Coding change: c.617-2A>G on transcript NM_024570.4 (MANE Select); the canonical splice acceptor site of the intron before coding-DNA position 617, A replaced by G.
Molecular consequence: splice acceptor variant.
Genome position (GRCh38, 1-based): chr13:50,947,985, A>G. VCF-style: chr13-50947985-A-G. GRCh37 (hg19) VCF-style: chr13-51522121-A-G.
Other names: c.617-2A>G (NM_001142279.2, NM_001411023.1).
Identifiers: ClinVar variation 2750103 (VCV002750103.5), dbSNP rs751915137, ClinGen allele CA6985646.